The following is an entry in ClinVar:

ClinVar aggregate classification (germline): Uncertain significance (1 of 4 stars; one submission).

Submission:

GeneDx
Classification: Uncertain significance. Last evaluated: 2026-03-18. Review status: criteria provided, single submitter. Criteria: GeneDx Variant Classification Process June 2021. Collection method: clinical testing. Allele origin: germline.
Comment: Not observed at significant frequency in large population cohorts (gnomAD); In silico analysis supports that this missense variant has a deleterious effect on protein structure/function; Has not been previously published as pathogenic or benign to our knowledge

NM_002234.4(KCNA5):c.1392C>A (p.Phe464Leu)

Gene: KCNA5 (potassium voltage-gated channel subfamily A member 5; plus strand). Cytogenetic location: 12p13.32.
Variant type: single nucleotide variant.
Coding change: c.1392C>A on transcript NM_002234.4 (MANE Select); coding-DNA position 1392, C replaced by A.
Protein change: p.Phe464Leu; replaces phenylalanine 464 with leucine.
Molecular consequence: missense variant.
Genome position (GRCh38, 1-based): chr12:5,045,539, C>A. VCF-style: chr12-5045539-C-A. GRCh37 (hg19) VCF-style: chr12-5154705-C-A.
Other names: short protein forms F464L.
Identifiers: ClinVar variation 5009421 (VCV005009421.1).